The following is an entry in ClinVar:

ClinVar aggregate classification (germline): Likely benign (0 of 4 stars; one submission).

Conditions:
BLTP1-related disorder. Also called: BLTP1-related condition.

Allele frequency attached by ClinVar (database versions not stated): gnomAD 0.00001; gnomAD exomes 0.00002; TOPMed 0.00002.
gnomAD v4.1: 12 of 1,613,796 alleles (0.00074%); highest among the groups gnomAD compares: Non-Finnish European, 0.001%; no homozygotes.

Submission:

PreventionGenetics, part of Exact Sciences
Classification: Likely benign for BLTP1-related condition. Last evaluated: 2023-07-07. Review status: no assertion criteria provided. Collection method: clinical testing. Allele origin: germline.
Comment: This variant is classified as likely benign based on ACMG/AMP sequence variant interpretation guidelines (Richards et al. 2015 PMID: 25741868, with internal and published modifications).

NM_001384125.1(BLTP1):c.4221T>C (p.Asp1407=)

Gene: BLTP1 (bridge-like lipid transfer protein family member 1; plus strand). Cytogenetic location: 4q27.
Variant type: single nucleotide variant.
Coding change: c.4221T>C on transcript NM_001384125.1 (MANE Select); coding-DNA position 4221, T replaced by C.
Protein change: p.Asp1407=; no amino-acid change (aspartic acid 1407 retained).
Molecular consequence: synonymous variant.
Genome position (GRCh38, 1-based): chr4:122,239,903, T>C. VCF-style: chr4-122239903-T-C. GRCh37 (hg19) VCF-style: chr4-123161058-T-C.
Other names: c.4221T>C, p.Asp1407= (NM_015312.4).
Identifiers: ClinVar variation 3053931 (VCV003053931.2), dbSNP rs1304604617, ClinGen allele CA441115759.
Genomic context (GRCh38, chr4:122,239,903, plus strand): 5'-AATGGCTGATAGTGAAGCCTACTTTTCTGCTGCTGAGGAATTTGAGCCCATTAGCAGTGA[T>C]GAAGGCCCTGGAACTTATCCGGGTAGAAAAAAGAAGAAAAAGCAAACCCAGCAGATTGAC-3'
Protein context (NP_001371054.1, residues 1397-1417): AAEEFEPISS[Asp1407=]EGPGTYPGRK